The following is an entry in ClinVar:

NM_000078.3(CETP):c.1444G>A (p.Glu482Lys)

Gene: CETP (cholesteryl ester transfer protein; plus strand). Cytogenetic location: 16q13.
Variant type: single nucleotide variant.
Coding change: c.1444G>A on transcript NM_000078.3 (MANE Select); coding-DNA position 1444, G replaced by A.
Protein change: p.Glu482Lys; replaces glutamic acid 482 with lysine.
Molecular consequence: missense variant.
Genome position (GRCh38, 1-based): chr16:56,983,628, G>A. VCF-style: chr16-56983628-G-A. GRCh37 (hg19) VCF-style: chr16-57017540-G-A.
Other names: c.1264G>A, p.Glu422Lys (NM_001286085.2); c.1444G>A (NM_000078.2); short protein forms E482K, E422K.
Identifiers: ClinVar variation 2995729 (VCV002995729.4), dbSNP rs1222822718, ClinGen allele CA396008493.

ClinVar aggregate classification (germline): Uncertain significance. Review status: criteria provided, multiple submitters, no conflicts (2 of 4 stars). 2 submissions from 2 submitters: Uncertain significance (2). Last evaluated 2023-12-12.

Allele frequency attached by ClinVar (database versions not stated): gnomAD exomes below 0.00001; TOPMed below 0.00001.

Submissions (2):

Ambry Genetics
Classification: Uncertain significance. Last evaluated: 2023-12-12. Review status: criteria provided, single submitter. Criteria: Ambry Variant Classification Scheme 2023. Collection method: clinical testing. Allele origin: germline.

Labcorp Genetics (formerly Invitae), Labcorp
Classification: Uncertain significance. Last evaluated: 2023-04-15. Review status: criteria provided, single submitter. Criteria: Invitae Variant Classification Sherloc (09022015). Collection method: clinical testing. Allele origin: germline.
Comment: In summary, the available evidence is currently insufficient to determine the role of this variant in disease. Therefore, it has been classified as a Variant of Uncertain Significance. Algorithms developed to predict the effect of missense changes on protein structure and function output the following: SIFT: "Not Available"; PolyPhen-2: "Benign"; Align-GVGD: "Not Available". The lysine amino acid residue is found in multiple mammalian species, which suggests that this missense change does not adversely affect protein function. This variant has not been reported in the literature in individuals affected with CETP-related conditions. This variant is present in population databases (no rsID available, gnomAD 0.0009%). This sequence change replaces glutamic acid, which is acidic and polar, with lysine, which is basic and polar, at codon 482 of the CETP protein (p.Glu482Lys).